The following is an entry in ClinVar:

NM_014795.4(ZEB2):c.3163_3164insG (p.Tyr1055Ter)

Gene: ZEB2 (zinc finger E-box binding homeobox 2; minus strand). Cytogenetic location: 2q22.3.
Variant type: Insertion.
Coding change: c.3163_3164insG on transcript NM_014795.4 (MANE Select); coding-DNA positions 3163 to 3164, G inserted.
Protein change: p.Tyr1055Ter; replaces tyrosine 1055 with a stop codon.
Molecular consequence: nonsense.
Genome position: GRCh38 VCF-style: chr2-144389932-T-TC. GRCh37 (hg19) VCF-style: chr2-145147499-T-TC.
Other names: c.3091_3092insG, p.Tyr1031Ter (NM_001171653.2); short protein forms Y1031*, Y1055*.
Identifiers: ClinVar variation 3775937 (VCV003775937.1).

ClinVar aggregate classification (germline): Likely pathogenic (1 of 4 stars; one submission).

Conditions:
Mowat-Wilson syndrome (MOWS). Also called: Classic Mowat-Wilson Syndrome. Identifiers: Orphanet 2152, MedGen C1856113, MONDO:0009341, OMIM 235730.

Submission:

3billion
Classification: Likely pathogenic for Mowat-Wilson syndrome. Last evaluated: 2023-09-21. Review status: criteria provided, single submitter. Criteria: ACMG Guidelines, 2015. Collection method: clinical testing. Allele origin: germline. Affected: yes.
Comment: The variant is not observed in the gnomAD v2.1.1 dataset. Predicted Consequence/Location: Stop-gained (nonsense): predicted to result in a loss or disruption of normal protein function through protein truncation. The predicted truncated protein may be shortened by more than 10%. Therefore, this variant is classified as Likely pathogenic according to the recommendation of ACMG/AMP guideline.